The following is an entry in ClinVar:

ClinVar aggregate classification (germline): Likely benign. Review status: criteria provided, multiple submitters, no conflicts (2 of 4 stars). 4 submissions from 4 submitters: Likely benign (3). 1 of the submissions does not count toward it. Last evaluated 2025-01-24.

Conditions:
CLCN4-related disorder. Identifiers: MedGen CN232948.

Submissions (4):

Labcorp Genetics (formerly Invitae), Labcorp
Classification: Likely benign. Last evaluated: 2025-01-24. Review status: criteria provided, single submitter. Criteria: Invitae Variant Classification Sherloc (09022015). Collection method: clinical testing. Allele origin: germline.

Blueprint Genetics
Classification: Likely benign. Last evaluated: 2024-10-11. Review status: criteria provided, single submitter. Criteria: ACMG Guidelines, 2015. Collection method: clinical testing. Allele origin: germline.

Breakthrough Genomics
Classification: Likely benign. Review status: criteria provided, single submitter. Criteria: ACMG Guidelines, 2015. Collection method: not provided. Allele origin: germline. Inheritance: X-linked dominant inheritance. Affected: yes.

PreventionGenetics, part of Exact Sciences
Classification: Likely benign for CLCN4-related condition. Last evaluated: 2020-05-15. Review status: no assertion criteria provided. Collection method: clinical testing. Allele origin: germline. Not counted in ClinVar's aggregate classification.
Comment: This variant is classified as likely benign based on ACMG/AMP sequence variant interpretation guidelines (Richards et al. 2015 PMID: 25741868, with internal and published modifications).

NM_001830.4(CLCN4):c.1576+9A>T

Gene: CLCN4 (Cl-/H+ antiporter 4; plus strand). Cytogenetic location: Xp22.2.
Variant type: single nucleotide variant.
Coding change: c.1576+9A>T on transcript NM_001830.4 (MANE Select); 9 bases into the intron after coding-DNA position 1576, A replaced by T.
Molecular consequence: intron variant.
Genome position (GRCh38, 1-based): chrX:10,212,662, A>T. VCF-style: chrX-10212662-A-T. GRCh37 (hg19) VCF-style: chrX-10180702-A-T.
Other names: c.1294+9A>T (NM_001256944.2).
Identifiers: ClinVar variation 745455 (VCV000745455.12), dbSNP rs1444287158, ClinGen allele CA915952315.